The following is an entry in ClinVar:

ClinVar aggregate classification (germline): Pathogenic (1 of 4 stars; one submission).

Conditions:
Waardenburg syndrome type 4C (WS4C). Also called: WAARDENBURG SYNDROME WITH HIRSCHSPRUNG DISEASE, TYPE 4C. Identifiers: Orphanet 897, MedGen C2750452, MONDO:0013202, OMIM 613266.

Submission:

Institute of Rare Diseases, West China Hospital, Sichuan University
Classification: Pathogenic for Waardenburg syndrome type 4C. Last evaluated: 2025-01-09. Review status: criteria provided, single submitter. Criteria: ClinGen HL ACMG Specifications v1. Collection method: research. Allele origin: germline. Affected: yes.
Comment: PVS1;PS2;PM2_Supporting

NM_006941.4(SOX10):c.1155_1174del (p.His387fs)

Genes: POLR2F (RNA polymerase II, I and III subunit F; plus strand), SOX10 (SRY-box transcription factor 10; minus strand). Cytogenetic location: 22q13.1.
Variant type: Deletion.
Coding change: c.1155_1174del on transcript NM_006941.4 (MANE Select); coding-DNA positions 1155 to 1174, 20 bases deleted (GCCCCACTATGGCTCAGCCT).
Protein change: p.His387fs; shifts the reading frame from histidine 387.
Molecular consequence: frameshift variant. On other transcripts: intron variant (3).
Genome position (GRCh38, 1-based): chr22:37,973,722-37,973,741, AGGCTGAGCCATAGTGGGGC deleted on the plus strand (GCCCCACTATGGCTCAGCCT on the coding strand, the reverse complement: SOX10 is on the minus strand); deleting any 20 consecutive bases within chr22:37,973,722-37,973,749 gives the same sequence; the c. name uses the placement nearest the transcript's 3' end. VCF-style (leftmost placement, unchanged base first): chr22-37973721-AAGGCTGAGCCATAGTGGGGC-A. GRCh37 (hg19) VCF-style: chr22-38369728-AAGGCTGAGCCATAGTGGGGC-A.
Other names: c.*38+1420_*38+1439del (NM_001363825.1); c.293+6560_293+6579del (NM_001301130.2, NM_001301131.2); short protein forms H387fs.
Identifiers: ClinVar variation 3601802 (VCV003601802.1).
Genomic context (GRCh38, chr22:37,973,721, plus strand): 5'-TAATAGGGTCCTGAGGGCTGATGGTCAGAGTAGTCAAACTGGGGGCGGGAGATGGAGGGG[AAGGCTGAGCCATAGTGGGGC>A]AGGCTGAGGGAGGTGTAGGCGATCTGTGAGGTGGATGGCTGGTCGGTGTAGTGTGGGGGC-3'